The following is an entry in ClinVar:

ClinVar aggregate classification (germline): Uncertain significance. Review status: criteria provided, multiple submitters, no conflicts (2 of 4 stars). 2 submissions from 2 submitters: Uncertain significance (2). Last evaluated 2025-08-23.

Conditions:
DOCK2 deficiency. Also called: Immunodeficiency 40. Identifiers: Orphanet 447737, MedGen C4225328, MONDO:0014637, OMIM 616433.
Inborn genetic diseases. Identifiers: MedGen C0950123, MeSH D030342.

gnomAD v4.1: 48 of 1,614,168 alleles (0.003%); highest among the groups gnomAD compares: South Asian, 0.011%; no homozygotes.

Submissions (2):

Ambry Genetics
Classification: Uncertain significance for Inborn genetic diseases. Last evaluated: 2025-08-23. Review status: criteria provided, single submitter. Criteria: Ambry Variant Classification Scheme 2023. Collection method: clinical testing. Allele origin: germline.

Labcorp Genetics (formerly Invitae), Labcorp
Classification: Uncertain significance for DOCK2 deficiency. Last evaluated: 2025-05-23. Review status: criteria provided, single submitter. Criteria: Invitae Variant Classification Sherloc (09022015). Collection method: clinical testing. Allele origin: germline.
Comment: This sequence change replaces serine, which is neutral and polar, with leucine, which is neutral and non-polar, at codon 1170 of the DOCK2 protein (p.Ser1170Leu). This variant is present in population databases (rs137955744, gnomAD 0.01%). This variant has not been reported in the literature in individuals affected with DOCK2-related conditions. An algorithm developed to predict the effect of missense changes on protein structure and function outputs the following: PolyPhen-2: "Benign". The leucine amino acid residue is found in multiple mammalian species, which suggests that this missense change does not adversely affect protein function. In summary, the available evidence is currently insufficient to determine the role of this variant in disease. Therefore, it has been classified as a Variant of Uncertain Significance.

NM_004946.3(DOCK2):c.3509C>T (p.Ser1170Leu)

Gene: DOCK2 (dedicator of cytokinesis 2; plus strand). Cytogenetic location: 5q35.1.
Variant type: single nucleotide variant.
Coding change: c.3509C>T on transcript NM_004946.3 (MANE Select); coding-DNA position 3509, C replaced by T.
Protein change: p.Ser1170Leu; replaces serine 1170 with leucine.
Molecular consequence: missense variant. On other transcripts: non-coding transcript variant (1).
Genome position (GRCh38, 1-based): chr5:170,034,440, C>T. VCF-style: chr5-170034440-C-T. GRCh37 (hg19) VCF-style: chr5-169461444-C-T.
Other names: short protein forms S1170L.
Identifiers: ClinVar variation 4243839 (VCV004243839.2).